The following is an entry in ClinVar:

ClinVar aggregate classification (germline): Uncertain significance (1 of 4 stars; one submission).

Conditions:
Cardiovascular phenotype. Identifiers: MedGen CN230736.

Submission:

Ambry Genetics
Classification: Uncertain significance for Cardiovascular phenotype. Last evaluated: 2020-09-17. Review status: criteria provided, single submitter. Criteria: Ambry Variant Classification Scheme 2023. Collection method: clinical testing. Allele origin: germline.
Comment: The p.T1640I variant (also known as c.4919C>T), located in coding exon 34 of the LAMA4 gene, results from a C to T substitution at nucleotide position 4919. The threonine at codon 1640 is replaced by isoleucine, an amino acid with similar properties. This amino acid position is not well conserved in available vertebrate species. In addition, this alteration is predicted to be tolerated by in silico analysis. Since supporting evidence is limited at this time, the clinical significance of this alteration remains unclear.

NM_001105206.3(LAMA4):c.4940C>T (p.Thr1647Ile)

Gene: LAMA4 (laminin subunit alpha 4; minus strand). Cytogenetic location: 6q21.
Variant type: single nucleotide variant.
Coding change: c.4940C>T on transcript NM_001105206.3 (MANE Select); coding-DNA position 4940, C replaced by T.
Protein change: p.Thr1647Ile; replaces threonine 1647 with isoleucine.
Molecular consequence: missense variant.
Genome position (GRCh38, 1-based): chr6:112,117,780, G>A on the plus strand (C>T on the coding strand, the complement: LAMA4 is on the minus strand). VCF-style: chr6-112117780-G-A. GRCh37 (hg19) VCF-style: chr6-112438983-G-A.
Other names: c.4919C>T, p.Thr1640Ile (NM_001105207.3, NM_002290.5); short protein forms T1640I, T1647I.
Identifiers: ClinVar variation 1744094 (VCV001744094.2), dbSNP rs2546971441, ClinGen allele CA365366234.